The following is an entry in ClinVar:

ClinVar aggregate classification (germline): Uncertain significance. Review status: criteria provided, multiple submitters, no conflicts (2 of 4 stars). 2 submissions from 2 submitters: Uncertain significance (2). Last evaluated 2026-06-10.

Conditions:
Mitochondrial complex II deficiency, nuclear type 1. Also called: SUCCINATE CoQ REDUCTASE DEFICIENCY. Identifiers: Orphanet 3208, MedGen C5700310, MONDO:0100294, OMIM 252011.
Pheochromocytoma/paraganglioma syndrome 5. Also called: Paragangliomas 5; SDHA-Related Hereditary Paraganglioma-Pheochromocytoma Syndrome. Identifiers: Orphanet 29072, MedGen C3279992, MONDO:0013602, OMIM 614165.
Hereditary cancer-predisposing syndrome. Also called: Tumor predisposition; Hereditary Cancer Syndrome; Hereditary neoplastic syndrome; Neoplastic Syndromes, Hereditary. Identifiers: Orphanet 140162, MedGen C0027672, MeSH D009386, MONDO:0015356.

Submissions (2):

Ambry Genetics
Classification: Uncertain significance for Hereditary cancer-predisposing syndrome. Last evaluated: 2026-06-10. Review status: criteria provided, single submitter. Criteria: Ambry Variant Classification Scheme 2023. Collection method: clinical testing. Allele origin: germline.
Comment: The p.D223A variant (also known as c.668A>C), located in coding exon 6 of the SDHA gene, results from an A to C substitution at nucleotide position 668. The aspartic acid at codon 223 is replaced by alanine, an amino acid with dissimilar properties. This amino acid position is highly conserved in available vertebrate species. In addition, this alteration is predicted to be deleterious by in silico analysis. Based on the available evidence, the clinical significance of this variant remains unclear.

Labcorp Genetics (formerly Invitae), Labcorp
Classification: Uncertain significance for Pheochromocytoma/paraganglioma syndrome 5; Mitochondrial complex II deficiency, nuclear type 1. Last evaluated: 2020-11-17. Review status: criteria provided, single submitter. Criteria: Invitae Variant Classification Sherloc (09022015). Collection method: clinical testing. Allele origin: germline.
Comment: This sequence change replaces aspartic acid with alanine at codon 223 of the SDHA protein (p.Asp223Ala). The aspartic acid residue is highly conserved and there is a moderate physicochemical difference between aspartic acid and alanine. This variant is not present in population databases (ExAC no frequency). In summary, the available evidence is currently insufficient to determine the role of this variant in disease. Therefore, it has been classified as a Variant of Uncertain Significance. Algorithms developed to predict the effect of missense changes on protein structure and function (SIFT, PolyPhen-2, Align-GVGD) all suggest that this variant is likely to be disruptive, but these predictions have not been confirmed by published functional studies and their clinical significance is uncertain. This variant has not been reported in the literature in individuals with SDHA-related conditions.

NM_004168.4(SDHA):c.668A>C (p.Asp223Ala)

Gene: SDHA (succinate dehydrogenase complex flavoprotein subunit A; plus strand). Cytogenetic location: 5p15.33.
Variant type: single nucleotide variant.
Coding change: c.668A>C on transcript NM_004168.4 (MANE Select); coding-DNA position 668, A replaced by C.
Protein change: p.Asp223Ala; replaces aspartic acid 223 with alanine.
Molecular consequence: missense variant.
Genome position (GRCh38, 1-based): chr5:228,231, A>C. VCF-style: chr5-228231-A-C. GRCh37 (hg19) VCF-style: chr5-228346-A-C.
Other names: c.668A>C (NM_004168.2); c.524A>C, p.Asp175Ala (NM_001294332.2); c.668A>C, p.Asp223Ala (NM_001330758.2); short protein forms D175A, D223A.
Identifiers: ClinVar variation 1346603 (VCV001346603.10), dbSNP rs2126558436, ClinGen allele CA359010896.